The following is an entry in ClinVar:

ClinVar aggregate classification (germline): Benign (1 of 4 stars; one submission).

Allele frequency attached by ClinVar (database versions not stated): 1000 Genomes Project 30x 0.64085; 1000 Genomes Project 0.64337; TOPMed 0.69461; gnomAD 0.70445 and 0.70862.
gnomAD v4.1: 108,126 of 152,130 alleles (71%); highest among the groups gnomAD compares: Non-Finnish European, 88%; 42,154 homozygotes.

Submission:

GeneDx
Classification: Benign. Last evaluated: 2018-06-18. Review status: criteria provided, single submitter. Criteria: GeneDx Variant Classification (06012015). Collection method: clinical testing. Allele origin: germline. Affected: yes.
Comment: This variant is considered likely benign or benign based on one or more of the following criteria: it is a conservative change, it occurs at a poorly conserved position in the protein, it is predicted to be benign by multiple in silico algorithms, and/or has population frequency not consistent with disease.

NM_001232.4(CASQ2):c.320-298A>G

Gene: CASQ2 (calsequestrin 2; minus strand). Cytogenetic location: 1p13.1.
Variant type: single nucleotide variant.
Coding change: c.320-298A>G on transcript NM_001232.4 (MANE Select); 298 bases into the intron before coding-DNA position 320, A replaced by G.
Molecular consequence: intron variant.
Genome position (GRCh38, 1-based): chr1:115,741,126, T>C on the plus strand (A>G on the coding strand, the complement: CASQ2 is on the minus strand). VCF-style: chr1-115741126-T-C. GRCh37 (hg19) VCF-style: chr1-116283747-T-C.
Identifiers: ClinVar variation 683291 (VCV000683291.1), dbSNP rs7554582, ClinGen allele CA29606545.